The following is an entry in ClinVar:

ClinVar aggregate classification (germline): Uncertain significance (1 of 4 stars; one submission).

Submission:

GeneDx
Classification: Uncertain significance. Last evaluated: 2025-06-27. Review status: criteria provided, single submitter. Criteria: GeneDx Variant Classification Process June 2021. Collection method: clinical testing. Allele origin: germline. Affected: yes.
Comment: Not observed at significant frequency in large population cohorts (gnomAD); Missense variant in a gene in which most reported pathogenic variants are truncating/loss of function; Has not been previously published as pathogenic or benign to our knowledge

NM_001267550.2(TTN):c.75612A>C (p.Arg25204Ser)

Genes: TTN (titin; minus strand), TTN-AS1 (TTN antisense RNA 1; plus strand). Cytogenetic location: 2q31.2.
Variant type: single nucleotide variant.
Coding change: c.75612A>C on transcript NM_001267550.2 (MANE Select); coding-DNA position 75612, A replaced by C.
Protein change: p.Arg25204Ser; replaces arginine 25204 with serine.
Molecular consequence: missense variant.
Genome position (GRCh38, 1-based): chr2:178,570,520, T>G on the plus strand (A>C on the coding strand, the complement: TTN is on the minus strand). VCF-style: chr2-178570520-T-G. GRCh37 (hg19) VCF-style: chr2-179435247-T-G.
Other names: c.70689A>C, p.Arg23563Ser (NM_001256850.1); c.48417A>C, p.Arg16139Ser (NM_003319.4); c.67908A>C, p.Arg22636Ser (NM_133378.4); c.48792A>C, p.Arg16264Ser (NM_133432.3); c.48993A>C, p.Arg16331Ser (NM_133437.4); short protein forms R16139S, R16264S, R16331S, R22636S, R23563S, R25204S.
Identifiers: ClinVar variation 4539895 (VCV004539895.1).